The following is an entry in ClinVar:

NM_001166108.2(PALLD):c.647G>C (p.Ser216Thr)

Gene: PALLD (palladin, cytoskeletal associated protein; plus strand). Cytogenetic location: 4q32.3.
Variant type: single nucleotide variant.
Coding change: c.647G>C on transcript NM_001166108.2 (MANE Select); coding-DNA position 647, G replaced by C.
Protein change: p.Ser216Thr; replaces serine 216 with threonine.
Molecular consequence: missense variant.
Genome position (GRCh38, 1-based): chr4:168,512,151, G>C. VCF-style: chr4-168512151-G-C. GRCh37 (hg19) VCF-style: chr4-169433302-G-C.
Other names: c.647G>C, p.Ser216Thr (NM_016081.4); short protein forms S216T.
Identifiers: ClinVar variation 2448515 (VCV002448515.2), dbSNP rs757199423, ClinGen allele CA3135407.
Genomic context (GRCh38, chr4:168,512,151, plus strand): 5'-AGTCCTCGTCACCAGACAGTGGGTACCTGTCTCCTAAAAATCAGCCGTCAGCCCTGCTGA[G>C]TGCCTCAGCCAGCCAGAGCCCTATGGAAGACCAAGGGGAGATGGAAAGAGAGGTCAAGTC-3'
Protein context (NP_001159580.1, residues 206-226): SPKNQPSALL[Ser216Thr]ASASQSPMED

ClinVar aggregate classification (germline): Uncertain significance (1 of 4 stars; one submission).

Allele frequency attached by ClinVar (database versions not stated): ExAC 0.00001.
gnomAD v4.1: 2 of 1,614,180 alleles (0.00012%); highest among the groups gnomAD compares: Non-Finnish European, 0.00017%; no homozygotes.

Submission:

Ambry Genetics
Classification: Uncertain significance. Last evaluated: 2023-03-08. Review status: criteria provided, single submitter. Criteria: Ambry Variant Classification Scheme 2023. Collection method: clinical testing. Allele origin: germline.
Comment: The p.S216T variant (also known as c.647G>C), located in coding exon 1 of the PALLD gene, results from a G to C substitution at nucleotide position 647. The serine at codon 216 is replaced by threonine, an amino acid with similar properties. This amino acid position is conserved. In addition, this alteration is predicted to be tolerated by in silico analysis. Since supporting evidence is limited at this time, the clinical significance of this alteration remains unclear.